The following is an entry in ClinVar:

ClinVar aggregate classification (germline): Uncertain significance (1 of 4 stars; one submission).

Allele frequency attached by ClinVar (database versions not stated): gnomAD exomes below 0.00001 and 0.00001; TOPMed below 0.00001; ExAC 0.00001; gnomAD 0.00001.
gnomAD v4.1: 5 of 1,612,384 alleles (0.00031%); highest among the groups gnomAD compares: Non-Finnish European, 0.00034%; no homozygotes.

Submission:

GeneDx
Classification: Uncertain significance. Last evaluated: 2016-12-08. Review status: criteria provided, single submitter. Criteria: GeneDx Variant Classification (06012015). Collection method: clinical testing. Allele origin: germline. Affected: yes.
Comment: The S1268A variant in the MAGI2 gene has not been reported previously as a pathogenic variant, nor as a benign variant, to our knowledge. The S1268A variant was not observed in approximately 6,500 individuals of European and African American ancestry in the NHLBI Exome Sequencing Project, indicating it is not a common benign variant in these populations. The S1268A variant is a non-conservative amino acid substitution, which is likely to impact secondary protein structure as these residues differ in polarity, charge, size and/or other properties. This substitution occurs at a position that is conserved in mammals. In silico analysis is inconsistent in its predictions as to whether or not the variant is damaging to the protein structure/function. As an alternate mechanism, multiple in silico algorithms predict that c.3802T>G (aka S1268A) might create a cryptic donor site in exon 22 which may supplant the natural donor site. However, in the absence of RNA/functional studies, the actual effect of c.3802T>G in this individual is unknown. We interpret S1268A as a variant of uncertain significance.

NM_012301.4(MAGI2):c.3802T>G (p.Ser1268Ala)

Gene: MAGI2 (membrane associated guanylate kinase, WW and PDZ domain containing 2; minus strand). Cytogenetic location: 7q21.11.
Variant type: single nucleotide variant.
Coding change: c.3802T>G on transcript NM_012301.4 (MANE Select); coding-DNA position 3802, T replaced by G.
Protein change: p.Ser1268Ala; replaces serine 1268 with alanine.
Molecular consequence: missense variant.
Genome position (GRCh38, 1-based): chr7:78,019,881, A>C on the plus strand (T>G on the coding strand, the complement: MAGI2 is on the minus strand). VCF-style: chr7-78019881-A-C. GRCh37 (hg19) VCF-style: chr7-77649198-A-C.
Other names: c.3760T>G, p.Ser1254Ala (NM_001301128.2); short protein forms S1268A, S1254A.
Identifiers: ClinVar variation 373390 (VCV000373390.2), dbSNP rs767664742, ClinGen allele CA4313383.